The following is an entry in ClinVar:

ClinVar aggregate classification (germline): Uncertain significance (1 of 4 stars; one submission).

gnomAD v4.1: 3 of 1,552,500 alleles (0.00019%); highest among the groups gnomAD compares: Admixed American, 0.002%; no homozygotes.

Submission:

GeneDx
Classification: Uncertain significance. Last evaluated: 2023-10-25. Review status: criteria provided, single submitter. Criteria: GeneDx Variant Classification Process June 2021. Collection method: clinical testing. Allele origin: germline. Affected: yes.
Comment: Not observed at significant frequency in large population cohorts (gnomAD); In silico analysis supports a deleterious effect on splicing; Has not been previously published as pathogenic or benign to our knowledge

NM_001271938.2(MEGF8):c.2737-12A>G

Genes: MEGF8 (multiple EGF like domains 8; plus strand), MIR8077 (microRNA 8077; plus strand). Cytogenetic location: 19q13.2.
Variant type: single nucleotide variant.
Coding change: c.2737-12A>G on transcript NM_001271938.2 (MANE Select); 12 bases into the intron before coding-DNA position 2737, A replaced by G.
Molecular consequence: intron variant. On other transcripts: non-coding transcript variant (1).
Genome position (GRCh38, 1-based): chr19:42,351,204, A>G. VCF-style: chr19-42351204-A-G. GRCh37 (hg19) VCF-style: chr19-42855356-A-G.
Other names: c.2536-12A>G (NM_001410.3).
Identifiers: ClinVar variation 3363300 (VCV003363300.1).